The following is an entry in ClinVar:

ClinVar aggregate classification (germline): Uncertain significance. Review status: criteria provided, multiple submitters, no conflicts (2 of 4 stars). 2 submissions from 2 submitters: Uncertain significance (2). Last evaluated 2021-02-05.

Conditions:
Hereditary cancer-predisposing syndrome. Also called: Tumor predisposition; Neoplastic Syndromes, Hereditary; Hereditary neoplastic syndrome; Hereditary Cancer Syndrome. Identifiers: Orphanet 140162, MedGen C0027672, MeSH D009386, MONDO:0015356.
Retinoblastoma (RB1). Also called: RETINOBLASTOMA, SOMATIC. Identifiers: Orphanet 790, MedGen C0035335, MeSH D012175, MONDO:0008380, OMIM 180200, HP:0009919. Disease mechanism: loss of function. Inheritance: Both sporadic and heritable forms are tested..

Submissions (2):

Ambry Genetics
Classification: Uncertain significance for Hereditary cancer-predisposing syndrome. Last evaluated: 2021-02-05. Review status: criteria provided, single submitter. Criteria: Ambry Variant Classification Scheme 2023. Collection method: clinical testing. Allele origin: germline.
Comment: The p.K814R variant (also known as c.2441A>G), located in coding exon 23 of the RB1 gene, results from an A to G substitution at nucleotide position 2441. The lysine at codon 814 is replaced by arginine, an amino acid with highly similar properties. This amino acid position is highly conserved in available vertebrate species. In addition, this alteration is predicted to be tolerated by in silico analysis. Since supporting evidence is limited at this time, the clinical significance of this alteration remains unclear.

Mendelics
Classification: Uncertain significance for Retinoblastoma. Last evaluated: 2018-07-02. Review status: criteria provided, single submitter. Criteria: Mendelics Assertion Criteria 2017. Collection method: clinical testing. Allele origin: unknown.

NM_000321.3(RB1):c.2441A>G (p.Lys814Arg)

Gene: RB1 (RB transcriptional corepressor 1; plus strand). Cytogenetic location: 13q14.2.
Variant type: single nucleotide variant.
Coding change: c.2441A>G on transcript NM_000321.3 (MANE Select); coding-DNA position 2441, A replaced by G.
Protein change: p.Lys814Arg; replaces lysine 814 with arginine.
Molecular consequence: missense variant.
Genome position (GRCh38, 1-based): chr13:48,465,320, A>G. VCF-style: chr13-48465320-A-G. GRCh37 (hg19) VCF-style: chr13-49039456-A-G.
Other names: short protein forms K814R.
Identifiers: ClinVar variation 584873 (VCV000584873.4), dbSNP rs1566237785, ClinGen allele CA388167991.